The following is an entry in ClinVar:

ClinVar aggregate classification (germline): Uncertain significance. Review status: criteria provided, multiple submitters, no conflicts (2 of 4 stars). 2 submissions from 2 submitters: Uncertain significance (2). Last evaluated 2025-05-18.

Conditions:
Inborn genetic diseases. Identifiers: MedGen C0950123, MeSH D030342.

gnomAD v4.1: 23 of 1,613,840 alleles (0.0014%); highest among the groups gnomAD compares: East Asian, 0.0022%; no homozygotes.

Submissions (2):

Ambry Genetics
Classification: Uncertain significance for Inborn genetic diseases. Last evaluated: 2025-05-18. Review status: criteria provided, single submitter. Criteria: Ambry Variant Classification Scheme 2023. Collection method: clinical testing. Allele origin: germline.

Labcorp Genetics (formerly Invitae), Labcorp
Classification: Uncertain significance. Last evaluated: 2025-05-12. Review status: criteria provided, single submitter. Criteria: Invitae Variant Classification Sherloc (09022015). Collection method: clinical testing. Allele origin: germline.
Comment: This sequence change replaces arginine, which is basic and polar, with glutamine, which is neutral and polar, at codon 1168 of the MYH3 protein (p.Arg1168Gln). This variant is present in population databases (rs558085793, gnomAD 0.0009%). This variant has not been reported in the literature in individuals affected with MYH3-related conditions. Invitae Evidence Modeling of protein sequence and biophysical properties (such as structural, functional, and spatial information, amino acid conservation, physicochemical variation, residue mobility, and thermodynamic stability) indicates that this missense variant is not expected to disrupt MYH3 protein function with a negative predictive value of 95%. In summary, the available evidence is currently insufficient to determine the role of this variant in disease. Therefore, it has been classified as a Variant of Uncertain Significance.

NM_002470.4(MYH3):c.3503G>A (p.Arg1168Gln)

Gene: MYH3 (myosin heavy chain 3; minus strand). Cytogenetic location: 17p13.1.
Variant type: single nucleotide variant.
Coding change: c.3503G>A on transcript NM_002470.4 (MANE Select); coding-DNA position 3503, G replaced by A.
Protein change: p.Arg1168Gln; replaces arginine 1168 with glutamine.
Molecular consequence: missense variant.
Genome position (GRCh38, 1-based): chr17:10,638,269, C>T on the plus strand (G>A on the coding strand, the complement: MYH3 is on the minus strand). VCF-style: chr17-10638269-C-T. GRCh37 (hg19) VCF-style: chr17-10541586-C-T.
Other names: short protein forms R1168Q.
Identifiers: ClinVar variation 3915543 (VCV003915543.2).